The following is an entry in ClinVar:

NM_001042492.3(NF1):c.*971T>A

Gene: NF1 (neurofibromin 1; plus strand). Cytogenetic location: 17q11.2.
Variant type: single nucleotide variant.
Coding change: c.*971T>A on transcript NM_001042492.3 (MANE Select); 971 bases downstream of the stop codon, T replaced by A.
Molecular consequence: 3 prime UTR variant.
Genome position (GRCh38, 1-based): chr17:31,375,126, T>A. VCF-style: chr17-31375126-T-A. GRCh37 (hg19) VCF-style: chr17-29702144-T-A.
Other names: c.*971T>A (NM_000267.4).
Identifiers: ClinVar variation 891431 (VCV000891431.4), dbSNP rs147515257, ClinGen allele CA289712602.

ClinVar aggregate classification (germline): Benign. Review status: criteria provided, single submitter (1 of 4 stars). 4 submissions from 1 submitter: Benign (4). Last evaluated 2018-01-12.

Conditions:
Neurofibromatosis, type 1 (NF1). Also called: VON RECKLINGHAUSEN DISEASE; NEUROFIBROMATOSIS, TYPE I, SOMATIC; Peripheral type neurofibromatosis; Neurofibromatosis, type I. Identifiers: Orphanet 636, MedGen C0027831, MONDO:0018975, OMIM 162200. Disease mechanism: loss of function.
Café-au-lait macules with pulmonary stenosis (WTSN). Also called: PULMONIC STENOSIS WITH CAFE-AU-LAIT SPOTS. Identifiers: MedGen C0553586, MONDO:0008672, OMIM 193520.
Neurofibromatosis, familial spinal (FSNF). Identifiers: Orphanet 636, MedGen C1834235, MONDO:0008078, OMIM 162210. Disease mechanism: loss of function.
Neurofibromatosis-Noonan syndrome (NFNS). Also called: NEUROFIBROMATOSIS WITH NOONAN PHENOTYPE. Identifiers: Orphanet 638, MedGen C2931482, MONDO:0011035, OMIM 601321. Disease mechanism: loss of function.

Allele frequency attached by ClinVar (database versions not stated): gnomAD 0.00069 and 0.00095; TOPMed 0.00076; gnomAD exomes 0.00085; 1000 Genomes Project 0.00180; 1000 Genomes Project 30x 0.00281.
gnomAD v4.1: 201 of 218,020 alleles (0.092%); highest among the groups gnomAD compares: South Asian, 0.82%; no homozygotes.

Submissions (4):

Illumina Laboratory Services, Illumina
Classification: Benign for Neurofibromatosis, familial spinal. Last evaluated: 2018-01-12. Review status: criteria provided, single submitter. Criteria: ICSL Variant Classification Criteria 13 December 2019. Collection method: clinical testing. Allele origin: germline.
Comment: This variant was observed in the ICSL laboratory as part of a predisposition screen in an ostensibly healthy population. It had not been previously curated by ICSL or reported in the Human Gene Mutation Database (HGMD: prior to June 1st, 2018), and was therefore a candidate for classification through an automated scoring system. Utilizing variant allele frequency, disease prevalence and penetrance estimates, and inheritance mode, an automated score was calculated to assess if this variant is too frequent to cause the disease. Based on the score and internal cut-off values, a variant classified as benign is not then subjected to further curation. The score for this variant resulted in a classification of benign for this disease.

Illumina Laboratory Services, Illumina
Classification: Benign for Neurofibromatosis, type 1. Last evaluated: 2018-01-12. Review status: criteria provided, single submitter. Criteria: ICSL Variant Classification Criteria 13 December 2019. Collection method: clinical testing. Allele origin: germline.
Comment: the same text as in the submission from Illumina Laboratory Services, Illumina above.

Illumina Laboratory Services, Illumina
Classification: Benign for Café-au-lait macules with pulmonary stenosis. Last evaluated: 2018-01-12. Review status: criteria provided, single submitter. Criteria: ICSL Variant Classification Criteria 13 December 2019. Collection method: clinical testing. Allele origin: germline.
Comment: the same text as in the submission from Illumina Laboratory Services, Illumina above.

Illumina Laboratory Services, Illumina
Classification: Benign for Neurofibromatosis-Noonan syndrome. Last evaluated: 2018-01-12. Review status: criteria provided, single submitter. Criteria: ICSL Variant Classification Criteria 13 December 2019. Collection method: clinical testing. Allele origin: germline.
Comment: the same text as in the submission from Illumina Laboratory Services, Illumina above.